The following is an entry in ClinVar:

ClinVar aggregate classification (germline): Uncertain significance. Review status: criteria provided, multiple submitters, no conflicts (2 of 4 stars). 2 submissions from 2 submitters: Uncertain significance (2). Last evaluated 2024-07-30.

Conditions:
Cardiovascular phenotype. Identifiers: MedGen CN230736.
Dilated cardiomyopathy 1DD (CMD1DD). Identifiers: Orphanet 154, MedGen C2750995, MONDO:0013168, OMIM 613172.

Submissions (2):

Labcorp Genetics (formerly Invitae), Labcorp
Classification: Uncertain significance for Dilated cardiomyopathy 1DD. Last evaluated: 2024-07-30. Review status: criteria provided, single submitter. Criteria: Invitae Variant Classification Sherloc (09022015). Collection method: clinical testing. Allele origin: germline.
Comment: This sequence change replaces threonine, which is neutral and polar, with isoleucine, which is neutral and non-polar, at codon 108 of the RBM20 protein (p.Thr108Ile). This variant is not present in population databases (gnomAD no frequency). This variant has not been reported in the literature in individuals affected with RBM20-related conditions. Advanced modeling of protein sequence and biophysical properties (such as structural, functional, and spatial information, amino acid conservation, physicochemical variation, residue mobility, and thermodynamic stability) performed at Invitae indicates that this missense variant is not expected to disrupt RBM20 protein function with a negative predictive value of 95%. In summary, the available evidence is currently insufficient to determine the role of this variant in disease. Therefore, it has been classified as a Variant of Uncertain Significance.

Ambry Genetics
Classification: Uncertain significance for Cardiovascular phenotype. Last evaluated: 2024-05-11. Review status: criteria provided, single submitter. Criteria: Ambry Variant Classification Scheme 2023. Collection method: clinical testing. Allele origin: germline.
Comment: The p.T108I variant (also known as c.323C>T), located in coding exon 2 of the RBM20 gene, results from a C to T substitution at nucleotide position 323. The threonine at codon 108 is replaced by isoleucine, an amino acid with similar properties. This amino acid position is conserved. In addition, the in silico prediction for this alteration is inconclusive. Based on the available evidence, the clinical significance of this variant remains unclear.

NM_001134363.3(RBM20):c.323C>T (p.Thr108Ile)

Gene: RBM20 (RNA binding motif protein 20; plus strand). Cytogenetic location: 10q25.2.
Variant type: single nucleotide variant.
Coding change: c.323C>T on transcript NM_001134363.3 (MANE Select); coding-DNA position 323, C replaced by T.
Protein change: p.Thr108Ile; replaces threonine 108 with isoleucine.
Molecular consequence: missense variant.
Genome position (GRCh38, 1-based): chr10:110,780,932, C>T. VCF-style: chr10-110780932-C-T. GRCh37 (hg19) VCF-style: chr10-112540690-C-T.
Other names: short protein forms T108I.
Identifiers: ClinVar variation 3313228 (VCV003313228.3).
Genomic context (GRCh38, chr10:110,780,932, plus strand): 5'-GTCTCCAGCTGGCTCAACTGCAGGCCCAGCTCACCCTCCACCGGCTGAAGCTGGCACAGA[C>T]AGCTGTCACCAACAACACTGCAGCCGCCACAGTCCTGAACCAAGTCCTCTCCAAAGTGGC-3'
Protein context (NP_001127835.2, residues 98-118): LTLHRLKLAQ[Thr108Ile]AVTNNTAAAT